The following is an entry in ClinVar:

NM_002230.4(JUP):c.1470C>G (p.Asn490Lys)

Gene: JUP (junction plakoglobin; minus strand). Cytogenetic location: 17q21.2.
Variant type: single nucleotide variant.
Coding change: c.1470C>G on transcript NM_002230.4 (MANE Select); coding-DNA position 1470, C replaced by G.
Protein change: p.Asn490Lys; replaces asparagine 490 with lysine.
Molecular consequence: missense variant.
Genome position (GRCh38, 1-based): chr17:41,763,010, G>C on the plus strand (C>G on the coding strand, the complement: JUP is on the minus strand). VCF-style: chr17-41763010-G-C. GRCh37 (hg19) VCF-style: chr17-39919262-G-C.
Other names: c.1470C>G, p.Asn490Lys (NM_001352773.2, NM_001352774.2, NM_001352775.2 and 3 more transcripts); short protein forms N490K.
Identifiers: ClinVar variation 2448238 (VCV002448238.5), dbSNP rs149248322, ClinGen allele CA399496201.

ClinVar aggregate classification (germline): Uncertain significance. Review status: criteria provided, multiple submitters, no conflicts (2 of 4 stars). 2 submissions from 2 submitters: Uncertain significance (2). Last evaluated 2024-11-04.

Conditions:
Arrhythmogenic right ventricular dysplasia 12. Also called: ARRHYTHMOGENIC RIGHT VENTRICULAR DYSPLASIA, FAMILIAL, 12. Identifiers: MedGen C1969081, MONDO:0012684, OMIM 611528.
Naxos disease (NXD). Also called: KERATOSIS PALMOPLANTARIS WITH ARRHYTHMOGENIC CARDIOMYOPATHY; MAL DE NAXOS; PALMOPLANTAR KERATODERMA WITH ARRHYTHMOGENIC RIGHT VENTRICULAR CARDIOMYOPATHY AND WOOLLY HAIR; WOOLLY HAIR, PALMOPLANTAR KERATODERMA, AND CARDIAC ABNORMALITIES; CARDIOMYOPATHY, ARRHYTHMOGENIC RIGHT VENTRICULAR, WITH SKIN, HAIR, AND NAIL ABNORMALITIES. Identifiers: Orphanet 34217, MedGen C1832600, MONDO:0011017, OMIM 601214.
Cardiovascular phenotype. Identifiers: MedGen CN230736.

Submissions (2):

Labcorp Genetics (formerly Invitae), Labcorp
Classification: Uncertain significance for Arrhythmogenic right ventricular dysplasia 12; Naxos disease. Last evaluated: 2024-11-04. Review status: criteria provided, single submitter. Criteria: Invitae Variant Classification Sherloc (09022015). Collection method: clinical testing. Allele origin: germline.
Comment: This sequence change replaces asparagine, which is neutral and polar, with lysine, which is basic and polar, at codon 490 of the JUP protein (p.Asn490Lys). This variant is not present in population databases (gnomAD no frequency). This variant has not been reported in the literature in individuals affected with JUP-related conditions. ClinVar contains an entry for this variant (Variation ID: 2448238). An algorithm developed to predict the effect of missense changes on protein structure and function (PolyPhen-2) suggests that this variant is likely to be tolerated. In summary, the available evidence is currently insufficient to determine the role of this variant in disease. Therefore, it has been classified as a Variant of Uncertain Significance.

Ambry Genetics
Classification: Uncertain significance for Cardiovascular phenotype. Last evaluated: 2023-02-11. Review status: criteria provided, single submitter. Criteria: Ambry Variant Classification Scheme 2023. Collection method: clinical testing. Allele origin: germline.
Comment: The p.N490K variant (also known as c.1470C>G), located in coding exon 7 of the JUP gene, results from a C to G substitution at nucleotide position 1470. The asparagine at codon 490 is replaced by lysine, an amino acid with similar properties. This amino acid position is conserved. In addition, this alteration is predicted to be tolerated by in silico analysis. Since supporting evidence is limited at this time, the clinical significance of this alteration remains unclear.